The following is an entry in ClinVar:

NM_001163435.3(TBCK):c.1641_1648delinsGG (p.Leu548_Ser550delinsAla)

Gene: TBCK (TBC1 domain containing kinase; minus strand). Cytogenetic location: 4q24.
Variant type: Indel.
Coding change: c.1641_1648delinsGG on transcript NM_001163435.3 (MANE Select); coding-DNA positions 1641 to 1648, TCTTGACT replaced by GG.
Protein change: p.Leu548_Ser550delinsAla.
Molecular consequence: inframe indel.
Genome position (GRCh38, 1-based): chr4:106,231,771-106,231,778, AGTCAAGA replaced by CC on the plus strand (TCTTGACT replaced by GG on the coding strand, the reverse complement: TBCK is on the minus strand). VCF-style: chr4-106231771-AGTCAAGA-CC. GRCh37 (hg19) VCF-style: chr4-107152928-AGTCAAGA-CC.
Other names: c.1641_1648delinsGG, p.Leu548_Ser550delinsAla (NM_001163436.4); c.1524_1531delinsGG, p.Leu509_Ser511delinsAla (NM_001163437.3); c.1125_1132delinsGG, p.Leu376_Ser378delinsAla (NM_001290768.2); c.1452_1459delinsGG, p.Leu485_Ser487delinsAla (NM_033115.5).
Identifiers: ClinVar variation 2305422 (VCV002305422.2), dbSNP rs2477779300, ClinGen allele CA2580071314.

ClinVar aggregate classification (germline): Uncertain significance (1 of 4 stars; one submission).

Conditions:
Inborn genetic diseases. Identifiers: MedGen C0950123, MeSH D030342.

Submission:

Ambry Genetics
Classification: Uncertain significance for Inborn genetic diseases. Last evaluated: 2022-08-05. Review status: criteria provided, single submitter. Criteria: Ambry Variant Classification Scheme 2023. Collection method: clinical testing. Allele origin: germline.
Comment: The c.1641_1648delTCTTGACTinsGG (p.L548_S550delinsA) alteration, located in exon 18 (coding exon 17) of the TBCK gene, consists of an in-frame deletion of 8 and insertion of 2 nucleotides from position 1641 to 1648, resulting in the insertion of <NA> residues. Based on insufficient or conflicting evidence, the clinical significance of this alteration remains unclear.